The following is an entry in ClinVar:

NM_001329943.3(KIAA0586):c.269G>C (p.Ser90Thr)

Gene: KIAA0586 (KIAA0586; plus strand). Cytogenetic location: 14q23.1.
Variant type: single nucleotide variant.
Coding change: c.269G>C on transcript NM_001329943.3 (MANE Select); coding-DNA position 269, G replaced by C.
Protein change: p.Ser90Thr; replaces serine 90 with threonine.
Molecular consequence: missense variant.
Genome position (GRCh38, 1-based): chr14:58,429,432, G>C. VCF-style: chr14-58429432-G-C. GRCh37 (hg19) VCF-style: chr14-58896150-G-C.
Other names: c.305G>C (NM_001244189.1); c.305G>C, p.Ser102Thr (NM_001244189.2); c.224G>C, p.Ser75Thr (NM_001244190.2); c.14G>C, p.Ser5Thr (NM_001244191.2, NM_001244192.2, NM_001329945.2 and 2 more transcripts); c.269G>C, p.Ser90Thr (NM_001329944.2, NM_001329946.2, NM_001329947.2 and 1 more transcripts); short protein forms S5T, S102T, S90T, S75T.
Identifiers: ClinVar variation 1505699 (VCV001505699.8), dbSNP rs780403471, ClinGen allele CA389859495.

ClinVar aggregate classification (germline): Uncertain significance. Review status: criteria provided, multiple submitters, no conflicts (2 of 4 stars). 2 submissions from 2 submitters: Uncertain significance (2). Last evaluated 2023-11-27.

Conditions:
Short-rib thoracic dysplasia 14 with polydactyly (SRTD14). Identifiers: Orphanet 397715, MedGen C4225286, MONDO:0014688, OMIM 616546.
Joubert syndrome 23 (JBTS23). Identifiers: Orphanet 475, MedGen C4084822, MONDO:0014664, OMIM 616490.

gnomAD v4.1: 1 of 1,562,018 alleles (0.000064%); highest among the groups gnomAD compares: African/African-American, 0.0014%; no homozygotes.

Submissions (2):

Labcorp Genetics (formerly Invitae), Labcorp
Classification: Uncertain significance for Joubert syndrome 23; Short-rib thoracic dysplasia 14 with polydactyly. Last evaluated: 2023-11-27. Review status: criteria provided, single submitter. Criteria: Invitae Variant Classification Sherloc (09022015). Collection method: clinical testing. Allele origin: germline.
Comment: This sequence change replaces serine, which is neutral and polar, with threonine, which is neutral and polar, at codon 102 of the KIAA0586 protein (p.Ser102Thr). This variant is not present in population databases (gnomAD no frequency). This variant has not been reported in the literature in individuals affected with KIAA0586-related conditions. ClinVar contains an entry for this variant (Variation ID: 1505699). Algorithms developed to predict the effect of missense changes on protein structure and function output the following: SIFT: "Not Available"; PolyPhen-2: "Benign"; Align-GVGD: "Not Available". The threonine amino acid residue is found in multiple mammalian species, which suggests that this missense change does not adversely affect protein function. In summary, the available evidence is currently insufficient to determine the role of this variant in disease. Therefore, it has been classified as a Variant of Uncertain Significance.

GeneDx
Classification: Uncertain significance. Last evaluated: 2023-01-06. Review status: criteria provided, single submitter. Criteria: GeneDx Variant Classification Process June 2021. Collection method: clinical testing. Allele origin: germline. Affected: yes.
Comment: Not observed at significant frequency in large population cohorts (gnomAD); In silico analysis supports that this missense variant does not alter protein structure/function; Has not been previously published as pathogenic or benign to our knowledge